The following is an entry in ClinVar:

NM_021620.4(PRDM13):c.677G>A (p.Gly226Asp)

Gene: PRDM13 (PR/SET domain 13; plus strand). Cytogenetic location: 6q16.2.
Variant type: single nucleotide variant.
Coding change: c.677G>A on transcript NM_021620.4 (MANE Select); coding-DNA position 677, G replaced by A.
Protein change: p.Gly226Asp; replaces glycine 226 with aspartic acid.
Molecular consequence: missense variant.
Genome position (GRCh38, 1-based): chr6:99,613,312, G>A. VCF-style: chr6-99613312-G-A. GRCh37 (hg19) VCF-style: chr6-100061188-G-A.
Other names: short protein forms G226D.
Identifiers: ClinVar variation 1002167 (VCV001002167.8), dbSNP rs1037812946, ClinGen allele CA365115904.

ClinVar aggregate classification (germline): Uncertain significance (1 of 4 stars; one submission).

Submission:

Labcorp Genetics (formerly Invitae), Labcorp
Classification: Uncertain significance. Last evaluated: 2024-12-02. Review status: criteria provided, single submitter. Criteria: Invitae Variant Classification Sherloc (09022015). Collection method: clinical testing. Allele origin: germline.
Comment: This sequence change replaces glycine, which is neutral and non-polar, with aspartic acid, which is acidic and polar, at codon 226 of the PRDM13 protein (p.Gly226Asp). This variant is not present in population databases (gnomAD no frequency). This variant has not been reported in the literature in individuals affected with PRDM13-related conditions. ClinVar contains an entry for this variant (Variation ID: 1002167). An algorithm developed to predict the effect of missense changes on protein structure and function (PolyPhen-2) suggests that this variant is likely to be tolerated. In summary, the available evidence is currently insufficient to determine the role of this variant in disease. Therefore, it has been classified as a Variant of Uncertain Significance.